The following is an entry in ClinVar:

NM_001999.4(FBN2):c.3316C>G (p.Leu1106Val)

Gene: FBN2 (fibrillin 2; minus strand). Cytogenetic location: 5q23.3.
Variant type: single nucleotide variant.
Coding change: c.3316C>G on transcript NM_001999.4 (MANE Select); coding-DNA position 3316, C replaced by G.
Protein change: p.Leu1106Val; replaces leucine 1106 with valine.
Molecular consequence: missense variant.
Genome position (GRCh38, 1-based): chr5:128,344,412, G>C on the plus strand (C>G on the coding strand, the complement: FBN2 is on the minus strand). VCF-style: chr5-128344412-G-C. GRCh37 (hg19) VCF-style: chr5-127680104-G-C.
Other names: short protein forms L1106V.
Identifiers: ClinVar variation 4851381 (VCV004851381.1).

ClinVar aggregate classification (germline): Likely benign (1 of 4 stars; one submission).

Conditions:
Congenital contractural arachnodactyly (CCA). Also called: Beals-Hecht syndrome; BEALS SYNDROME; Arthrogryposis, distal, type 9. Identifiers: Orphanet 115, MedGen C0220668, MONDO:0007363, OMIM 121050.

gnomAD v4.1: 7 of 1,613,994 alleles (0.00043%); highest among the groups gnomAD compares: Admixed American, 0.0033%; no homozygotes.

Submission:

Centre for Medical Genetics,  Mumbai
Classification: Likely benign for Congenital contractural arachnodactyly. Last evaluated: 2026-04-14. Review status: criteria provided, single submitter. Criteria: ACMG Guidelines, 2015. Collection method: provider interpretation. Allele origin: germline. Inheritance: Autosomal dominant inheritance. Affected: no. Observed: 1 variant allele, 1 heterozygote.
Comment: The variant satisfies PM2 criteria - extremely low frequency in gnomAD population databases. The variant satisfies PP3 criteria - for a missense or a splicing region variant, computational prediction tools unanimously support a deleterious effect on the gene. However, the variant satisfies BS2 criteria - present in heterozygous state in an individual that clinically does not have contractural arachnodactyly, congenital.

Literature cited by the submitters: PubMed 6465201.